The following is an entry in ClinVar:

ClinVar aggregate classification (germline): Likely benign (1 of 4 stars; one submission).

gnomAD v4.1: 28 of 1,272,758 alleles (0.0022%); highest among the groups gnomAD compares: Middle Eastern, 0.051%; no homozygotes.

Submission:

CeGaT Center for Human Genetics Tuebingen
Classification: Likely benign. Last evaluated: 2022-04-01. Review status: criteria provided, single submitter. Criteria: CeGaT Center For Human Genetics Tuebingen Variant Classification Criteria Version 2. Collection method: clinical testing. Allele origin: germline. Affected: yes. Observed: 1 variant allele.
Comment: CTU1: BP4, BP7

NM_145232.4(CTU1):c.51C>A (p.Arg17=)

Gene: CTU1 (cytosolic thiouridylase subunit 1; minus strand). Cytogenetic location: 19q13.41.
Variant type: single nucleotide variant.
Coding change: c.51C>A on transcript NM_145232.4 (MANE Select); coding-DNA position 51, C replaced by A.
Protein change: p.Arg17=; no amino-acid change (arginine 17 retained).
Molecular consequence: synonymous variant.
Genome position (GRCh38, 1-based): chr19:51,104,519, G>T on the plus strand (C>A on the coding strand, the complement: CTU1 is on the minus strand). VCF-style: chr19-51104519-G-T. GRCh37 (hg19) VCF-style: chr19-51607776-G-T.
Identifiers: ClinVar variation 2650366 (VCV002650366.24), dbSNP rs1193474464, ClinGen allele CA508316029.
Genomic context (GRCh38, chr19:51,104,519, plus strand): 5'-CTCGGCCTCGAAGGCGGCGCAGAAGCAGGCACCGCACAGCGCTTGGCCCGAGAGCGGACG[G>T]CGGAGGGCGGCGCGTGCAGCATGGCAGGAGGCGCACGGCGGGGCGGGCATTGCGGGAGGG-3'
Protein context (NP_660275.2, residues 7-27): ASCHAARAAL[Arg17=]RPLSGQALCG